The following is an entry in ClinVar:

NM_001267550.2(TTN):c.46666_46668del (p.Lys15556del)

Genes: TTN (titin; minus strand), TTN-AS1 (TTN antisense RNA 1; plus strand). Cytogenetic location: 2q31.2.
Variant type: Deletion.
Coding change: c.46666_46668del on transcript NM_001267550.2 (MANE Select); coding-DNA positions 46666 to 46668, 3 bases deleted (AAA; older notation c.46666_46668delAAA).
Protein change: p.Lys15556del; deletes lysine 15556.
Genome position (GRCh38, 1-based): chr2:178,619,649-178,619,651, TTT deleted on the plus strand (AAA on the coding strand, the reverse complement: TTN is on the minus strand). VCF-style (leftmost placement, unchanged base first): chr2-178619648-CTTT-C. GRCh37 (hg19) VCF-style: chr2-179484375-CTTT-C.
Other names: p.Lys13915del; c.41743_41745del, p.Lys13915del (NM_001256850.1); c.19471_19473del, p.Lys6491del (NM_003319.4); c.38962_38964del, p.Lys12988del (NM_133378.4); c.19846_19848del, p.Lys6616del (NM_133432.3); c.20047_20049del, p.Lys6683del (NM_133437.4); c.46666_46668del (NM_001267550.1); short protein forms K12988del, K13915del, K15556del, K6491del, K6616del, K6683del.
Identifiers: ClinVar variation 2682777 (VCV002682777.2), dbSNP rs2057974157, ClinGen allele CA1310551484.
Genomic context (GRCh38, chr2:178,619,648, plus strand): 5'-ATTGGAAGGATATTTTAAAATAAAGGGACTGACCTGCCAGTTCAAGCTTAGCTCTGGCTT[CTTT>C]GTCTTTGGCAATAAATCTGTATTCACCCTGGTCACGGGGCTTAATATCACAAATCTGTAG-3'

ClinVar aggregate classification (germline): Uncertain significance. Review status: criteria provided, multiple submitters, no conflicts (2 of 4 stars). 2 submissions from 2 submitters: Uncertain significance (2). Last evaluated 2024-03-15.

Allele frequency attached by ClinVar (database versions not stated): gnomAD exomes 0.00001.

Submissions (2):

GeneDx
Classification: Uncertain significance. Last evaluated: 2024-03-15. Review status: criteria provided, single submitter. Criteria: GeneDx Variant Classification Process June 2021. Collection method: clinical testing. Allele origin: germline. Affected: yes.
Comment: Not observed at significant frequency in large population cohorts (gnomAD); This variant is associated with the following publications: (PMID: 31983221)

Mayo Clinic Laboratories, Mayo Clinic
Classification: Uncertain significance. Last evaluated: 2023-06-12. Review status: criteria provided, single submitter. Criteria: ACMG Guidelines, 2015. Collection method: clinical testing. Allele origin: germline. Observed: 1 variant allele.
Comment: PM2_supporting, PM4, PS4_supporting

Literature cited by the submitters: PubMed 31983221 (cited by Mayo Clinic Laboratories, Mayo Clinic).